The following is an entry in ClinVar:

NM_001378457.1(DMXL2):c.1534A>G (p.Ile512Val)

Gene: DMXL2 (Dmx like 2; minus strand). Cytogenetic location: 15q21.2.
Variant type: single nucleotide variant.
Coding change: c.1534A>G on transcript NM_001378457.1 (MANE Select); coding-DNA position 1534, A replaced by G.
Protein change: p.Ile512Val; replaces isoleucine 512 with valine.
Molecular consequence: missense variant. On other transcripts: non-coding transcript variant (2).
Genome position (GRCh38, 1-based): chr15:51,537,571, T>C on the plus strand (A>G on the coding strand, the complement: DMXL2 is on the minus strand). VCF-style: chr15-51537571-T-C. GRCh37 (hg19) VCF-style: chr15-51829768-T-C.
Other names: c.1534A>G, p.Ile512Val (NM_001174116.3, NM_001174117.3, NM_001378458.1 and 6 more transcripts); c.1294A>G, p.Ile432Val (NM_001378464.1); short protein forms I512V, I432V.
Identifiers: ClinVar variation 2883346 (VCV002883346.2), dbSNP rs566976742, ClinGen allele CA7562570.

ClinVar aggregate classification (germline): Uncertain significance (1 of 4 stars; one submission).

Allele frequency attached by ClinVar (database versions not stated): gnomAD exomes 0.00001; ExAC 0.00003; gnomAD 0.00006; TOPMed 0.00006; 1000 Genomes Project 30x 0.00031; 1000 Genomes Project 0.00040.
gnomAD v4.1: 17 of 1,613,902 alleles (0.0011%); highest among the groups gnomAD compares: African/African-American, 0.017%; no homozygotes.

Submission:

Labcorp Genetics (formerly Invitae), Labcorp
Classification: Uncertain significance. Last evaluated: 2024-11-06. Review status: criteria provided, single submitter. Criteria: Invitae Variant Classification Sherloc (09022015). Collection method: clinical testing. Allele origin: germline.
Comment: This sequence change replaces isoleucine, which is neutral and non-polar, with valine, which is neutral and non-polar, at codon 512 of the DMXL2 protein (p.Ile512Val). This variant is present in population databases (rs566976742, gnomAD 0.03%). This variant has not been reported in the literature in individuals affected with DMXL2-related conditions. ClinVar contains an entry for this variant (Variation ID: 2883346). An algorithm developed to predict the effect of missense changes on protein structure and function outputs the following: PolyPhen-2: "Benign". The valine amino acid residue is found in multiple mammalian species, which suggests that this missense change does not adversely affect protein function. In summary, the available evidence is currently insufficient to determine the role of this variant in disease. Therefore, it has been classified as a Variant of Uncertain Significance.